The following is an entry in ClinVar:

NM_004153.4(ORC1):c.703_704del (p.Lys235fs)

Gene: ORC1 (origin recognition complex subunit 1; minus strand). Cytogenetic location: 1p32.3.
Variant type: Deletion.
Coding change: c.703_704del on transcript NM_004153.4 (MANE Select); coding-DNA positions 703 to 704, 2 bases deleted (AA; older notation c.703_704delAA).
Protein change: p.Lys235fs; shifts the reading frame from lysine 235.
Molecular consequence: frameshift variant.
Genome position (GRCh38, 1-based): chr1:52,396,063-52,396,064, TT deleted on the plus strand (AA on the coding strand, the reverse complement: ORC1 is on the minus strand); deleting any 2 consecutive bases within chr1:52,396,063-52,396,065 gives the same sequence; the c. name uses the placement nearest the transcript's 3' end. VCF-style (leftmost placement, unchanged base first): chr1-52396062-CTT-C. GRCh37 (hg19) VCF-style: chr1-52861734-CTT-C.
Other names: c.703_704del, p.Lys235fs (NM_001190818.2, NM_001190819.2); short protein forms K235fs.
Identifiers: ClinVar variation 3007280 (VCV003007280.3), dbSNP rs2524163346, ClinGen allele CA2645646076.
Genomic context (GRCh38, chr1:52,396,062, plus strand): 5'-CTTTAGCCCCAGTATTGCCCACGGTGATCCATTCCACAACTTACTGCCAAGCTCCAGCCT[CTT>C]TCTGGCTCTTGGGGTAAGAGGATGGGTAGGAGTTTGGCGAGATTTGGAGGCGGAGTGCCT-3'

ClinVar aggregate classification (germline): Pathogenic (1 of 4 stars; one submission).

Submission:

Labcorp Genetics (formerly Invitae), Labcorp
Classification: Pathogenic. Last evaluated: 2023-04-10. Review status: criteria provided, single submitter. Criteria: Invitae Variant Classification Sherloc (09022015). Collection method: clinical testing. Allele origin: germline.
Comment: For these reasons, this variant has been classified as Pathogenic. This variant has not been reported in the literature in individuals affected with ORC1-related conditions. This variant is not present in population databases (gnomAD no frequency). This sequence change creates a premature translational stop signal (p.Lys235Glufs*9) in the ORC1 gene. It is expected to result in an absent or disrupted protein product. Loss-of-function variants in ORC1 are known to be pathogenic (PMID: 21358633).

Literature cited by the submitters: PubMed 21358633.